The following is an entry in ClinVar:

NC_000016.9:g.(?_28853731)_(28857670_?)del

Gene: TUFM (Tu translation elongation factor, mitochondrial; minus strand). Cytogenetic location: 16p11.2.
Variant type: Deletion.
Identifiers: ClinVar variation 2637519 (VCV002637519.1).

ClinVar aggregate classification (germline): Uncertain significance (1 of 4 stars; one submission).

Submission:

Women's Health and Genetics/Laboratory Corporation of America, LabCorp
Classification: Uncertain significance. Last evaluated: 2023-10-27. Review status: criteria provided, single submitter. Criteria: LabCorp Variant Classification Summary - May 2015. Collection method: clinical testing. Allele origin: germline.
Comment: Variant summary: The variant identified by MLPA or other technology involves the deletion of exons 1-10 of the TUFM gene. A presumed nomenclature of c.(?_-80)_(*565_?)del has been designated for the purposes of this classification. Although exact breakpoints of this deletion are not known, it is expected to result in a large deletion change encompassing the TUFM gene. However, current evidence is not sufficient to establish loss-of-function in TUFM as a mechanism of disease. The variant was absent in 20768 control chromosomes (gnomAD). The available data on variant occurrences in the general population are insufficient to allow any conclusion about variant significance. To our knowledge, no occurrence of c.(?_-80)_(*565_?)del in individuals affected with Combined Oxidative Phosphorylation Defect Type 4 and no experimental evidence demonstrating its impact on protein function have been reported. No submitters have cited clinical-significance assessments for this variant to ClinVar after 2014, although larger deletions that encompass TUFM and other genes have been classified as pathogenic. Based on the evidence outlined above, the variant was classified as uncertain significance.